The following is an entry in ClinVar:

NM_000395.3(CSF2RB):c.2590G>T (p.Ala864Ser)

Gene: CSF2RB (colony stimulating factor 2 receptor subunit beta; plus strand). Cytogenetic location: 22q12.3.
Variant type: single nucleotide variant.
Coding change: c.2590G>T on transcript NM_000395.3 (MANE Select); coding-DNA position 2590, G replaced by T.
Protein change: p.Ala864Ser; replaces alanine 864 with serine.
Molecular consequence: missense variant.
Genome position (GRCh38, 1-based): chr22:36,938,398, G>T. VCF-style: chr22-36938398-G-T. GRCh37 (hg19) VCF-style: chr22-37334440-G-T.
Other names: c.2608G>T, p.Ala870Ser (NM_001410827.1); short protein forms A870S, A864S.
Identifiers: ClinVar variation 4771790 (VCV004771790.1).

ClinVar aggregate classification (germline): Uncertain significance (1 of 4 stars; one submission).

gnomAD v4.1: 1 of 1,614,174 alleles (0.000062%); highest among the groups gnomAD compares: Non-Finnish European, 0.000085%; no homozygotes.

Submission:

Labcorp Genetics (formerly Invitae), Labcorp
Classification: Uncertain significance. Last evaluated: 2025-06-25. Review status: criteria provided, single submitter. Criteria: Invitae Variant Classification Sherloc (09022015). Collection method: clinical testing. Allele origin: germline.
Comment: This sequence change replaces alanine, which is neutral and non-polar, with serine, which is neutral and polar, at codon 864 of the CSF2RB protein (p.Ala864Ser). This variant is present in population databases (no rsID available, gnomAD 0.0009%). This variant has not been reported in the literature in individuals affected with CSF2RB-related conditions. An algorithm developed to predict the effect of missense changes on protein structure and function (PolyPhen-2) suggests that this variant is likely to be tolerated. In summary, the available evidence is currently insufficient to determine the role of this variant in disease. Therefore, it has been classified as a Variant of Uncertain Significance.